The following is an entry in ClinVar:

NM_020928.2(ZSWIM6):c.3274C>T (p.Pro1092Ser)

Gene: ZSWIM6 (zinc finger SWIM-type containing 6; plus strand). Cytogenetic location: 5q12.1.
Variant type: single nucleotide variant.
Coding change: c.3274C>T on transcript NM_020928.2 (MANE Select); coding-DNA position 3274, C replaced by T.
Protein change: p.Pro1092Ser; replaces proline 1092 with serine.
Molecular consequence: missense variant.
Genome position (GRCh38, 1-based): chr5:61,543,943, C>T. VCF-style: chr5-61543943-C-T. GRCh37 (hg19) VCF-style: chr5-60839770-C-T.
Other names: short protein forms P1092S.
Identifiers: ClinVar variation 1407167 (VCV001407167.8), dbSNP rs757090562, ClinGen allele CA3278518.

ClinVar aggregate classification (germline): Uncertain significance (1 of 4 stars; one submission).

Allele frequency attached by ClinVar (database versions not stated): gnomAD exomes 0.00003; ExAC 0.00009.
gnomAD v4.1: 12 of 1,551,832 alleles (0.00077%); highest among the groups gnomAD compares: South Asian, 0.014%; no homozygotes.

Submission:

Labcorp Genetics (formerly Invitae), Labcorp
Classification: Uncertain significance. Last evaluated: 2023-07-28. Review status: criteria provided, single submitter. Criteria: Invitae Variant Classification Sherloc (09022015). Collection method: clinical testing. Allele origin: germline.
Comment: This sequence change replaces proline, which is neutral and non-polar, with serine, which is neutral and polar, at codon 1092 of the ZSWIM6 protein (p.Pro1092Ser). This variant is present in population databases (rs757090562, gnomAD 0.02%). This variant has not been reported in the literature in individuals affected with ZSWIM6-related conditions. ClinVar contains an entry for this variant (Variation ID: 1407167). Advanced modeling of protein sequence and biophysical properties (such as structural, functional, and spatial information, amino acid conservation, physicochemical variation, residue mobility, and thermodynamic stability) performed at Invitae indicates that this missense variant is not expected to disrupt ZSWIM6 protein function. In summary, the available evidence is currently insufficient to determine the role of this variant in disease. Therefore, it has been classified as a Variant of Uncertain Significance.